The following is an entry in ClinVar:

NM_014804.3(KIAA0753):c.1722del (p.Trp574fs)

Gene: KIAA0753 (KIAA0753; minus strand). Cytogenetic location: 17p13.1.
Variant type: Deletion.
Coding change: c.1722del on transcript NM_014804.3 (MANE Select); coding-DNA position 1722, one base deleted (G; older notation c.1722delG).
Protein change: p.Trp574fs; shifts the reading frame from tryptophan 574.
Molecular consequence: frameshift variant. On other transcripts: non-coding transcript variant (3).
Genome position (GRCh38, 1-based): chr17:6,608,455, C deleted on the plus strand (G on the coding strand, the reverse complement: KIAA0753 is on the minus strand); the first of 2 consecutive C bases (chr17:6,608,455-6,608,456); deleting either gives the same sequence. VCF-style (leftmost placement, unchanged base first): chr17-6608454-GC-G. GRCh37 (hg19) VCF-style: chr17-6511774-GC-G.
Other names: c.825del, p.Trp275fs (NM_001351225.2); c.1722delG (NM_014804.3); short protein forms W275fs, W574fs.
Identifiers: ClinVar variation 4526596 (VCV004526596.1).
Genomic context (GRCh38, chr17:6,608,454, plus strand): 5'-GAGGATCTTCTTGCTGGAGAGGCTCTTTTGTGGCATCTCTGGGGCTAGTTTTCACCTTTA[GC>G]CATGCAGCACTGAAATAAATGGAAAAGCATACCTTTGTCATCATTCACTCCGTATCCAAT-3'

ClinVar aggregate classification (germline): Likely pathogenic (1 of 4 stars; one submission).

Conditions:
Short-rib thoracic dysplasia 21 without polydactyly. Identifiers: MedGen C5561961, MONDO:0030356, OMIM 619479.
Orofaciodigital syndrome XV (OFD15). Also called: OFDS XV; ORAL-FACIAL-DIGITAL SYNDROME, TYPE XV. Identifiers: MedGen C4310701, MONDO:0014932, OMIM 617127.
Joubert syndrome 38. Identifiers: MedGen C5561958, MONDO:0030353, OMIM 619476.

Submission:

First Genomix Gene Laboratory, Genetic Diagnostics Department
Classification: Likely pathogenic for Joubert syndrome 38; Orofaciodigital syndrome XV; Short-rib thoracic dysplasia 21 without polydactyly. Last evaluated: 2025-04-11. Review status: criteria provided, single submitter. Criteria: ACMG Guidelines, 2015. Collection method: clinical testing. Allele origin: germline. Inheritance: Autosomal recessive inheritance. Affected: no. Observed: 1 variant allele.